The following is an entry in ClinVar:

ClinVar aggregate classification (germline): Pathogenic. Review status: criteria provided, multiple submitters, no conflicts (2 of 4 stars). 5 submissions from 5 submitters: Pathogenic (5). Last evaluated 2025-09-14.

Conditions:
Neurofibromatosis, type 1 (NF1). Also called: VON RECKLINGHAUSEN DISEASE; NEUROFIBROMATOSIS, TYPE I, SOMATIC; Peripheral type neurofibromatosis; Neurofibromatosis, type I. Identifiers: Orphanet 636, MedGen C0027831, MONDO:0018975, OMIM 162200. Disease mechanism: loss of function.
Neurofibromatosis, familial spinal (FSNF). Identifiers: Orphanet 636, MedGen C1834235, MONDO:0008078, OMIM 162210. Disease mechanism: loss of function.
Juvenile myelomonocytic leukemia (JMML). Also called: LEUKEMIA, JUVENILE MYELOMONOCYTIC, SOMATIC. Identifiers: Orphanet 86834, MedGen C0349639, MONDO:0011908, OMIM 607785, HP:0012209.
Neurofibromatosis-Noonan syndrome (NFNS). Also called: NEUROFIBROMATOSIS WITH NOONAN PHENOTYPE. Identifiers: Orphanet 638, MedGen C2931482, MONDO:0011035, OMIM 601321. Disease mechanism: loss of function.
Café-au-lait macules with pulmonary stenosis (WTSN). Also called: PULMONIC STENOSIS WITH CAFE-AU-LAIT SPOTS. Identifiers: MedGen C0553586, MONDO:0008672, OMIM 193520.

Submissions (5):

Labcorp Genetics (formerly Invitae), Labcorp
Classification: Pathogenic for Neurofibromatosis, type 1. Last evaluated: 2025-09-14. Review status: criteria provided, single submitter. Criteria: Invitae Variant Classification Sherloc (09022015). Collection method: clinical testing. Allele origin: germline.
Comment: This sequence change creates a premature translational stop signal (p.His2402Glnfs*4) in the NF1 gene. It is expected to result in an absent or disrupted protein product. Loss-of-function variants in NF1 are known to be pathogenic (PMID: 10712197, 23913538). This variant is not present in population databases (gnomAD no frequency). This premature translational stop signal has been observed in individual(s) with neurofibromatosis type 1 (PMID: 12807981). Invitae Evidence Modeling of clinical and family history, age, sex, and reported ancestry of multiple individuals with this NF1 variant has been performed. This variant is expected to be pathogenic with a positive predictive value of at least 99%. This is a validated machine learning model that incorporates the clinical features of 1,785,918 individuals referred to our laboratory for NF1 testing. This variant is also known as c.7204_7205delCA. ClinVar contains an entry for this variant (Variation ID: 237592). For these reasons, this variant has been classified as Pathogenic.

GeneDx
Classification: Pathogenic. Last evaluated: 2023-05-12. Review status: criteria provided, single submitter. Criteria: GeneDx Variant Classification Process June 2021. Collection method: clinical testing. Allele origin: germline. Affected: yes.
Comment: Frameshift variant predicted to result in protein truncation or nonsense mediated decay in a gene for which loss-of-function is a known mechanism of disease; Not observed at significant frequency in large population cohorts (gnomAD); This variant is associated with the following publications: (PMID: 10712197, 31551924, 18546366, 12807981, 23913538, 29158289)

Genome-Nilou Lab
Classification: Pathogenic for Neurofibromatosis, type 1. Last evaluated: 2022-03-15. Review status: criteria provided, single submitter. Criteria: ACMG Guidelines, 2015. Collection method: clinical testing. Allele origin: germline. Affected: no.

Genome Diagnostics Laboratory, The Hospital for Sick Children
Classification: Pathogenic for Neurofibromatosis, type 1. Last evaluated: 2020-10-26. Review status: criteria provided, single submitter. Criteria: ACMG Guidelines, 2015. Collection method: clinical testing. Allele origin: germline. Affected: yes.

Juno Genomics, Hangzhou Juno Genomics, Inc
Classification: Pathogenic for Neurofibromatosis, type 1; Neurofibromatosis, familial spinal; Café-au-lait macules with pulmonary stenosis; Neurofibromatosis-Noonan syndrome; Juvenile myelomonocytic leukemia. Review status: criteria provided, single submitter. Criteria: ACMG Guidelines, 2015. Collection method: clinical testing. Allele origin: germline. Affected: yes.
Comment: Absent from controls (or at extremely low frequency if recessive) in Genome Aggregation Database, Exome Sequencing Project, 1000 Genomes Project, or Exome Aggregation Consortium.;The prevalence of the variant in affected individuals is significantly increased compared to the prevalence in controls.;Null variant in a gene where loss of function (LOF) is a known mechanism of disease.

Literature cited by the submitters: PubMed 10712197 (cited by Labcorp Genetics (formerly Invitae), Labcorp); PubMed 23913538 (cited by Labcorp Genetics (formerly Invitae), Labcorp); PubMed 12807981 (cited by Labcorp Genetics (formerly Invitae), Labcorp).

NM_001042492.3(NF1):c.7269_7270del (p.His2423fs)

Gene: NF1 (neurofibromin 1; plus strand). Cytogenetic location: 17q11.2.
Variant type: Microsatellite.
Coding change: c.7269_7270del on transcript NM_001042492.3 (MANE Select); coding-DNA positions 7269 to 7270, 2 bases deleted (CA; older notation c.7269_7270delCA).
Protein change: p.His2423fs; shifts the reading frame from histidine 2423.
Molecular consequence: frameshift variant.
Genome position (GRCh38, 1-based): chr17:31,349,199-31,349,200, CA deleted; deleting any 2 consecutive bases within chr17:31,349,196-31,349,200 gives the same sequence; the c. name uses the placement nearest the transcript's 3' end. VCF-style (leftmost placement, unchanged base first): chr17-31349195-AAC-A. GRCh37 (hg19) VCF-style: chr17-29676213-AAC-A.
Other names: c.7206_7207delCA (NM_000267.3); c.7204_7205CA[1], p.His2402Glnfs (NM_000267.4); short protein forms H2423fs, H2402fs.
Identifiers: ClinVar variation 237592 (VCV000237592.19), dbSNP rs878853913, ClinGen allele CA10583522.